The following is an entry in ClinVar:

ClinVar aggregate classification (germline): Conflicting classifications of pathogenicity. Review status: criteria provided, conflicting classifications (1 of 4 stars). 3 submissions from 3 submitters: Pathogenic (1); Likely pathogenic (1); Uncertain significance (1). Last evaluated 2025-03-24.

Conditions:
MYH9-related disorder. Identifiers: MedGen C1854520.
Macrothrombocytopenia and granulocyte inclusions with or without nephritis or sensorineural hearing loss (MATINS). Also called: DOHLE LEUKOCYTE INCLUSIONS WITH GIANT PLATELETS; BLEEDING DISORDER, PLATELET-TYPE, 6; MYH9-Related Disease (MYH9-RD); MACROTHROMBOCYTOPENIA WITH LEUKOCYTE INCLUSIONS; MAY-HEGGLIN ANOMALY; SEBASTIAN PLATELET SYNDROME. Identifiers: Orphanet 182050, MedGen C5200934, MONDO:0015912, OMIM 155100.

Submissions (3):

Victorian Clinical Genetics Services, Murdoch Childrens Research Institute
Classification: Pathogenic for Macrothrombocytopenia and granulocyte inclusions with or without nephritis or sensorineural hearing loss. Last evaluated: 2025-03-24. Review status: criteria provided, single submitter. Criteria: ACMG Guidelines, 2015. Collection method: clinical testing. Allele origin: germline. Affected: yes.
Comment: This variant is classified as Pathogenic. Evidence in support of pathogenic classification: Variant is absent from gnomAD (v2, v3 and v4); This variant has moderate functional evidence supporting abnormal protein function. This variant was shown to significantly affect filament formation, increase length and width of filaments, and also decrease the mobility fraction (PMID: 38042490); Other missense variants comparable to the one identified in this case have strong previous evidence for pathogenicity. The p.(Asp1447Val) variant has been reported in the literature in multiple individuals with MYH9-related disease (PMIDs: 25077172, 31064749, 26226608). In addition, the p.(Asp1447Tyr) variant has been classified as likely pathogenic by a clinical laboratory in ClinVar and reported in the literature in an individual with giant platelets and leukocyte inclusions (PMID: 23123319). Furthermore, the p.(Asp1447His) variant has been reported in the literature in an individual with thrombocytopenia (PMID: 29090586). The p.(Asp1447Glu) variant has also been classified as VUS by a clinical laboratory in ClinVar; Missense variant predicted to be damaging by in silico tool(s) or highly conserved with a major amino acid change. Additional information: Variant is predicted to result in a missense amino acid change from aspartic acid to glycine; This variant is heterozygous; This gene is associated with autosomal dominant disease; Alternative amino acid change(s) at the same position are present in gnomAD (Highest allele count: v4: 1 heterozygote(s), 0 homozygote(s)); Previous reports of pathogenicity for this variant are conflicting. This variant has been classified as a VUS by a clinical laboratory in ClinVar. It has also been reported in the literature in individuals with macrothrombocytopenia (PMIDs: 31064749, 25077172). - No published segregation evidence has been identified for this variant; Variant is located in the annotated myosin tail domain (DECIPHER); Dominant negative and loss of function are likely mechanisms of disease in this gene, and are associated with macrothrombocytopenia and granulocyte inclusions with or without nephritis or sensorineural hearing loss (MIM#155100), and autosomal dominant deafness 17 (MIM#603622) (PMIDs: 20301740, 32545517); Variants in this gene are known to have variable expressivity. Expressivity varies for onset and severity of sensorineural deafness, glomerular nephropathy, presenile cataract, and alterations of liver enzymes (PMID: 20301740).

Labcorp Genetics (formerly Invitae), Labcorp
Classification: Uncertain significance. Last evaluated: 2024-09-19. Review status: criteria provided, single submitter. Criteria: Invitae Variant Classification Sherloc (09022015). Collection method: clinical testing. Allele origin: germline.
Comment: This sequence change replaces aspartic acid, which is acidic and polar, with glycine, which is neutral and non-polar, at codon 1447 of the MYH9 protein (p.Asp1447Gly). This variant is not present in population databases (gnomAD no frequency). This missense change has been observed in individual(s) with MYH9-related conditions (PMID: 16978745, 25077172, 31064749). ClinVar contains an entry for this variant (Variation ID: 627067). Invitae Evidence Modeling of protein sequence and biophysical properties (such as structural, functional, and spatial information, amino acid conservation, physicochemical variation, residue mobility, and thermodynamic stability) has been performed for this missense variant. However, the output from this modeling did not meet the statistical confidence thresholds required to predict the impact of this variant on MYH9 protein function. This variant disrupts the p.Asp1447 amino acid residue in MYH9. Other variant(s) that disrupt this residue have been observed in individuals with MYH9-related conditions (PMID: 18676005, 23123319), which suggests that this may be a clinically significant amino acid residue. In summary, the available evidence is currently insufficient to determine the role of this variant in disease. Therefore, it has been classified as a Variant of Uncertain Significance.

NIHR Bioresource Rare Diseases, University of Cambridge
Classification: Likely pathogenic for MYH9-related disorder. Last evaluated: 2019-02-01. Review status: criteria provided, single submitter. Criteria: ACMG Guidelines, 2015. Collection method: research. Allele origin: unknown. Affected: yes. Observed: 1 heterozygote. Study: ThromboGenomics.

Literature cited by the submitters: PubMed 25077172 (cited by Victorian Clinical Genetics Services, Murdoch Childrens Research Institute and Labcorp Genetics (formerly Invitae), Labcorp); PubMed 26226608 (cited by Victorian Clinical Genetics Services, Murdoch Childrens Research Institute); PubMed 38042490 (cited by Victorian Clinical Genetics Services, Murdoch Childrens Research Institute); PubMed 32545517 (cited by Victorian Clinical Genetics Services, Murdoch Childrens Research Institute); PubMed 31064749 (cited by 3 submitters); PubMed 29090586 (cited by Victorian Clinical Genetics Services, Murdoch Childrens Research Institute); PubMed 20301740 (cited by Victorian Clinical Genetics Services, Murdoch Childrens Research Institute); PubMed 23123319 (cited by Victorian Clinical Genetics Services, Murdoch Childrens Research Institute and Labcorp Genetics (formerly Invitae), Labcorp); PubMed 16978745 (cited by Labcorp Genetics (formerly Invitae), Labcorp); PubMed 18676005 (cited by Labcorp Genetics (formerly Invitae), Labcorp).

NM_002473.6(MYH9):c.4340A>G (p.Asp1447Gly)

Gene: MYH9 (myosin heavy chain 9; minus strand). Cytogenetic location: 22q12.3.
Variant type: single nucleotide variant.
Coding change: c.4340A>G on transcript NM_002473.6 (MANE Select); coding-DNA position 4340, A replaced by G.
Protein change: p.Asp1447Gly; replaces aspartic acid 1447 with glycine.
Molecular consequence: missense variant.
Genome position (GRCh38, 1-based): chr22:36,291,990, T>C on the plus strand (A>G on the coding strand, the complement: MYH9 is on the minus strand). VCF-style: chr22-36291990-T-C. GRCh37 (hg19) VCF-style: chr22-36688036-T-C.
Other names: short protein forms D1447G.
Identifiers: ClinVar variation 627067 (VCV000627067.9), dbSNP rs797044804, ClinGen allele CA411381860.